The following is an entry in ClinVar:

ClinVar aggregate classification (germline): Pathogenic (1 of 4 stars; one submission).

Conditions:
Retinitis pigmentosa 12 (RP12). Also called: RP WITH OR WITHOUT PRESERVED PARAARTERIOLE RETINAL PIGMENT EPITHELIUM; RETINITIS PIGMENTOSA WITH OR WITHOUT PARAARTERIOLAR PRESERVATION OF RETINAL PIGMENT EPITHELIUM; RP WITH OR WITHOUT PPRPE. Identifiers: Orphanet 791, MedGen C1838647, MONDO:0010818, OMIM 600105.
Leber congenital amaurosis 8 (LCA8). Identifiers: Orphanet 65, MedGen C3151202, MONDO:0013453, OMIM 613835.

Allele frequency attached by ClinVar (database versions not stated): gnomAD exomes below 0.00001.
gnomAD v4.1: 1 of 1,613,808 alleles (0.000062%); highest among the groups gnomAD compares: Non-Finnish European, 0.000085%; no homozygotes.

Submission:

Labcorp Genetics (formerly Invitae), Labcorp
Classification: Pathogenic for Leber congenital amaurosis 8; Retinitis pigmentosa 12. Last evaluated: 2021-12-31. Review status: criteria provided, single submitter. Criteria: Invitae Variant Classification Sherloc (09022015). Collection method: clinical testing. Allele origin: germline.
Comment: This variant disrupts the p.Cys1154 amino acid residue in CRB1. Other variant(s) that disrupt this residue have been observed in individuals with CRB1-related conditions (PMID: 33342761), which suggests that this may be a clinically significant amino acid residue. For these reasons, this variant has been classified as Pathogenic. Advanced modeling of protein sequence and biophysical properties (such as structural, functional, and spatial information, amino acid conservation, physicochemical variation, residue mobility, and thermodynamic stability) performed at Invitae indicates that this missense variant is expected to disrupt CRB1 protein function. This missense change has been observed in individual(s) with retinitis pigmentosa (PMID: 24715753). In at least one individual the data is consistent with being in trans (on the opposite chromosome) from a pathogenic variant. It has also been observed to segregate with disease in related individuals. This variant is not present in population databases (gnomAD no frequency). This sequence change replaces cysteine, which is neutral and slightly polar, with serine, which is neutral and polar, at codon 1154 of the CRB1 protein (p.Cys1154Ser).

Literature cited by the submitters: PubMed 33342761; PubMed 24715753.

NM_201253.3(CRB1):c.3460T>A (p.Cys1154Ser)

Gene: CRB1 (crumbs cell polarity complex component 1; plus strand). Cytogenetic location: 1q31.3.
Variant type: single nucleotide variant.
Coding change: c.3460T>A on transcript NM_201253.3 (MANE Select); coding-DNA position 3460, T replaced by A.
Protein change: p.Cys1154Ser; replaces cysteine 1154 with serine.
Molecular consequence: missense variant. On other transcripts: non-coding transcript variant (2), intron variant (1).
Genome position (GRCh38, 1-based): chr1:197,435,323, T>A. VCF-style: chr1-197435323-T-A. GRCh37 (hg19) VCF-style: chr1-197404453-T-A.
Other names: c.3124T>A, p.Cys1042Ser (NM_001193640.2); c.3388T>A, p.Cys1130Ser (NM_001257965.2); c.2129-277T>A (NM_001257966.2); short protein forms C1154S, C1130S, C1042S.
Identifiers: ClinVar variation 2202913 (VCV002202913.4), dbSNP rs2528202588, ClinGen allele CA344048058.